The following is an entry in ClinVar:

ClinVar aggregate classification (germline): Conflicting classifications of pathogenicity. Review status: criteria provided, conflicting classifications (1 of 4 stars). 3 submissions from 3 submitters: Uncertain significance (1); Likely benign (2). Last evaluated 2024-11-04.

Conditions:
Hereditary cancer-predisposing syndrome. Also called: Hereditary neoplastic syndrome; Neoplastic Syndromes, Hereditary; Tumor predisposition; Hereditary Cancer Syndrome. Identifiers: Orphanet 140162, MedGen C0027672, MeSH D009386, MONDO:0015356.
Hereditary breast ovarian cancer syndrome. Also called: Hereditary breast and ovarian cancer syndrome (HBOC); BRCA1- and BRCA2-Associated Hereditary Breast and Ovarian Cancer; Hereditary breast and ovarian cancer syndrome; Breast and ovarian cancer; Hereditary breast and ovarian cancer; Hereditary breast and/or ovarian cancer syndrome. Identifiers: Orphanet 145, MedGen C0677776, MeSH D061325, MONDO:0003582. Disease mechanism: loss of function.

Allele frequency attached by ClinVar (database versions not stated): gnomAD exomes below 0.00001; TOPMed below 0.00001.
gnomAD v4.1: 2 of 1,592,494 alleles (0.00013%); highest among the groups gnomAD compares: Non-Finnish European, 0.00017%; no homozygotes.

Submissions (3):

Color Diagnostics, LLC DBA Color Health
Classification: Likely benign for Hereditary cancer-predisposing syndrome. Last evaluated: 2024-11-04. Review status: criteria provided, single submitter. Criteria: ACMG Guidelines, 2015. Collection method: clinical testing. Allele origin: germline.

Ambry Genetics
Classification: Uncertain significance for Hereditary cancer-predisposing syndrome. Last evaluated: 2024-10-08. Review status: criteria provided, single submitter. Criteria: Ambry Variant Classification Scheme 2023. Collection method: clinical testing. Allele origin: germline.
Comment: The c.681T>C variant (also known as p.A227A) is located in coding exon 7 of the BRCA2 gene. This variant results from a T to C substitution at nucleotide position 681. This nucleotide substitution does not change the amino acid at codon 227. However, this change occurs in the last base pair of coding exon 7, which makes it likely to have some effect on normal mRNA splicing. This nucleotide position is well conserved in available vertebrate species. In silico splice site analysis predicts that this alteration will not have any significant effect on splicing. Based on the available evidence, the clinical significance of this variant remains unclear.

Labcorp Genetics (formerly Invitae), Labcorp
Classification: Likely benign for Hereditary breast ovarian cancer syndrome. Last evaluated: 2021-06-16. Review status: criteria provided, single submitter. Criteria: Invitae Variant Classification Sherloc (09022015). Collection method: clinical testing. Allele origin: germline.

NM_000059.4(BRCA2):c.681T>C (p.Ala227=)

Gene: BRCA2 (BRCA2 DNA repair associated; plus strand). Cytogenetic location: 13q13.1.
Variant type: single nucleotide variant.
Coding change: c.681T>C on transcript NM_000059.4 (MANE Select); coding-DNA position 681, T replaced by C.
Protein change: p.Ala227=; no amino-acid change (alanine 227 retained).
Molecular consequence: synonymous variant.
Genome position (GRCh38, 1-based): chr13:32,329,492, T>C. VCF-style: chr13-32329492-T-C. GRCh37 (hg19) VCF-style: chr13-32903629-T-C.
Identifiers: ClinVar variation 531337 (VCV000531337.11), dbSNP rs1478233429, ClinGen allele CA483274260.